The following is an entry in ClinVar:

ClinVar aggregate classification (germline): Benign/Likely benign. Review status: criteria provided, multiple submitters, no conflicts (2 of 4 stars). 7 submissions from 7 submitters: Benign (1); Likely benign (5). 1 of the submissions does not count toward it. Last evaluated 2026-01-28.

Conditions:
Cardiovascular phenotype. Identifiers: MedGen CN230736.
TNXB-related disorder. Also called: TNXB-related condition.

Allele frequency attached by ClinVar (database versions not stated): 1000 Genomes Project 30x 0.00016; 1000 Genomes Project 0.00020; gnomAD exomes 0.00029; ExAC 0.00035; ESP Exome Variant Server 0.00039; gnomAD 0.00058 and 0.00063; TOPMed 0.00073.
gnomAD v4.1: 317 of 1,608,918 alleles (0.02%); highest among the groups gnomAD compares: African/African-American, 0.18%; no homozygotes.

Submissions (7):

Labcorp Genetics (formerly Invitae), Labcorp
Classification: Benign. Last evaluated: 2026-01-28. Review status: criteria provided, single submitter. Criteria: Invitae Variant Classification Sherloc (09022015). Collection method: clinical testing. Allele origin: germline.

Women's Health and Genetics/Laboratory Corporation of America, LabCorp
Classification: Likely benign. Last evaluated: 2025-07-01. Review status: criteria provided, single submitter. Criteria: LabCorp Variant Classification Summary - May 2015. Collection method: clinical testing. Allele origin: germline.

Mayo Clinic Laboratories, Mayo Clinic
Classification: Likely benign. Last evaluated: 2025-01-20. Review status: criteria provided, single submitter. Criteria: ACMG Guidelines, 2015. Collection method: clinical testing. Allele origin: germline. Observed: 1 variant allele.
Comment: BS1, BP4, BP7

Blueprint Genetics
Classification: Likely benign. Last evaluated: 2024-06-05. Review status: criteria provided, single submitter. Criteria: ACMG Guidelines, 2015. Collection method: clinical testing. Allele origin: germline.

GeneDx
Classification: Likely benign. Last evaluated: 2021-08-12. Review status: criteria provided, single submitter. Criteria: GeneDx Variant Classification Process June 2021. Collection method: clinical testing. Allele origin: germline. Affected: yes.

Ambry Genetics
Classification: Likely benign for Cardiovascular phenotype. Last evaluated: 2020-01-15. Review status: criteria provided, single submitter. Criteria: Ambry Variant Classification Scheme 2023. Collection method: clinical testing. Allele origin: germline.

PreventionGenetics, part of Exact Sciences
Classification: Likely benign for TNXB-related condition. Last evaluated: 2020-03-19. Review status: no assertion criteria provided. Collection method: clinical testing. Allele origin: germline. Not counted in ClinVar's aggregate classification.
Comment: This variant is classified as likely benign based on ACMG/AMP sequence variant interpretation guidelines (Richards et al. 2015 PMID: 25741868, with internal and published modifications).

NM_001365276.2(TNXB):c.3345C>T (p.Ala1115=)

Gene: TNXB (tenascin XB; minus strand). Cytogenetic location: 6p21.33.
Variant type: single nucleotide variant.
Coding change: c.3345C>T on transcript NM_001365276.2 (MANE Select); coding-DNA position 3345, C replaced by T.
Protein change: p.Ala1115=; no amino-acid change (alanine 1115 retained).
Molecular consequence: synonymous variant.
Genome position (GRCh38, 1-based): chr6:32,084,513, G>A on the plus strand (C>T on the coding strand, the complement: TNXB is on the minus strand). VCF-style: chr6-32084513-G-A. GRCh37 (hg19) VCF-style: chr6-32052290-G-A.
Other names: p.Ala1115=; c.3345C>T, p.Ala1115= (NM_019105.8).
Identifiers: ClinVar variation 1341604 (VCV001341604.11), dbSNP rs370808102, ClinGen allele CA3735198.